The following is an entry in ClinVar:

ClinVar aggregate classification (germline): Uncertain significance. Review status: criteria provided, multiple submitters, no conflicts (2 of 4 stars). 2 submissions from 2 submitters: Uncertain significance (2). Last evaluated 2024-07-02.

Conditions:
Inborn genetic diseases. Identifiers: MedGen C0950123, MeSH D030342.
Joubert syndrome 14 (JBTS14). Identifiers: MedGen C3280766, MONDO:0013745, OMIM 614424.

gnomAD v4.1: 4 of 1,573,226 alleles (0.00025%); no homozygotes.

Submissions (2):

Ambry Genetics
Classification: Uncertain significance for Inborn genetic diseases. Last evaluated: 2024-07-02. Review status: criteria provided, single submitter. Criteria: Ambry Variant Classification Scheme 2023. Collection method: clinical testing. Allele origin: germline.

Labcorp Genetics (formerly Invitae), Labcorp
Classification: Uncertain significance for Joubert syndrome 14. Last evaluated: 2022-11-22. Review status: criteria provided, single submitter. Criteria: Invitae Variant Classification Sherloc (09022015). Collection method: clinical testing. Allele origin: germline.
Comment: In summary, the available evidence is currently insufficient to determine the role of this variant in disease. Therefore, it has been classified as a Variant of Uncertain Significance. Algorithms developed to predict the effect of sequence changes on RNA splicing suggest that this variant may create or strengthen a splice site. Algorithms developed to predict the effect of missense changes on protein structure and function are either unavailable or do not agree on the potential impact of this missense change (SIFT: "Deleterious"; PolyPhen-2: "Probably Damaging"; Align-GVGD: "Class C0"). ClinVar contains an entry for this variant (Variation ID: 1488424). This variant has not been reported in the literature in individuals affected with TMEM237-related conditions. This variant is present in population databases (no rsID available, gnomAD no frequency). This sequence change replaces leucine, which is neutral and non-polar, with tryptophan, which is neutral and slightly polar, at codon 315 of the TMEM237 protein (p.Leu315Trp).

NM_001044385.3(TMEM237):c.944T>G (p.Leu315Trp)

Gene: TMEM237 (transmembrane protein 237; minus strand). Cytogenetic location: 2q33.1.
Variant type: single nucleotide variant.
Coding change: c.944T>G on transcript NM_001044385.3 (MANE Select); coding-DNA position 944, T replaced by G.
Protein change: p.Leu315Trp; replaces leucine 315 with tryptophan.
Molecular consequence: missense variant.
Genome position (GRCh38, 1-based): chr2:201,627,414, A>C on the plus strand (T>G on the coding strand, the complement: TMEM237 is on the minus strand). VCF-style: chr2-201627414-A-C. GRCh37 (hg19) VCF-style: chr2-202492137-A-C.
Other names: c.920T>G, p.Leu307Trp (NM_152388.4); c.944T>G (NM_001044385.1); short protein forms L307W, L315W.
Identifiers: ClinVar variation 1488424 (VCV001488424.9), dbSNP rs1043186259, ClinGen allele CA63952380.